The following is an entry in ClinVar:

ClinVar aggregate classification (germline): Conflicting classifications of pathogenicity. Review status: criteria provided, conflicting classifications (1 of 4 stars). 3 submissions from 3 submitters: Uncertain significance (2); Likely benign (1). Last evaluated 2026-06-01.

Conditions:
Bethlem myopathy 1A. Also called: MYOPATHY, BENIGN CONGENITAL, WITH CONTRACTURES; Bethlem myopathy 1; Bethlem Muscular Dystrophy. Identifiers: Orphanet 610, MedGen CN029274, MONDO:0024530, OMIM 158810.

Allele frequency attached by ClinVar (database versions not stated): ExAC 0.00002; TOPMed 0.00002; gnomAD 0.00003; gnomAD exomes 0.00003.
gnomAD v4.1: 64 of 1,613,290 alleles (0.004%); highest among the groups gnomAD compares: East Asian, 0.0089%; no homozygotes.

Submissions (3):

CeGaT Center for Human Genetics Tuebingen
Classification: Uncertain significance. Last evaluated: 2026-06-01. Review status: criteria provided, single submitter. Criteria: CeGaT Center For Human Genetics Tuebingen Variant Classification Criteria Version 2. Collection method: clinical testing. Allele origin: germline. Affected: yes. Observed: 2 variant alleles.
Comment: COL6A3: PM2, BP4

GeneDx
Classification: Uncertain significance. Last evaluated: 2026-01-21. Review status: criteria provided, single submitter. Criteria: GeneDx Variant Classification Process June 2021. Collection method: clinical testing. Allele origin: germline.
Comment: In silico analysis suggests that this missense variant does not alter protein structure/function; Has not been previously published as pathogenic or benign to our knowledge

Labcorp Genetics (formerly Invitae), Labcorp
Classification: Likely benign for Bethlem myopathy 1A. Last evaluated: 2026-01-15. Review status: criteria provided, single submitter. Criteria: Invitae Variant Classification Sherloc (09022015). Collection method: clinical testing. Allele origin: germline.

NM_004369.4(COL6A3):c.439G>A (p.Val147Ile)

Gene: COL6A3 (collagen type VI alpha 3 chain; minus strand). Cytogenetic location: 2q37.3.
Variant type: single nucleotide variant.
Coding change: c.439G>A on transcript NM_004369.4 (MANE Select); coding-DNA position 439, G replaced by A.
Protein change: p.Val147Ile; replaces valine 147 with isoleucine.
Molecular consequence: missense variant. On other transcripts: intron variant (4).
Genome position (GRCh38, 1-based): chr2:237,394,857, C>T on the plus strand (G>A on the coding strand, the complement: COL6A3 is on the minus strand). VCF-style: chr2-237394857-C-T. GRCh37 (hg19) VCF-style: chr2-238303500-C-T.
Other names: c.91+1870G>A (NM_057166.5, NM_057167.4, NM_057164.5 and 1 more transcripts); short protein forms V147I.
Identifiers: ClinVar variation 640763 (VCV000640763.34), dbSNP rs536452909, ClinGen allele CA2189868.